The following is an entry in ClinVar:

NM_006231.4(POLE):c.1323G>C (p.Pro441=)

Gene: POLE (DNA polymerase epsilon, catalytic subunit; minus strand). Cytogenetic location: 12q24.33.
Variant type: single nucleotide variant.
Coding change: c.1323G>C on transcript NM_006231.4 (MANE Select); coding-DNA position 1323, G replaced by C.
Protein change: p.Pro441=; no amino-acid change (proline 441 retained).
Molecular consequence: synonymous variant.
Genome position (GRCh38, 1-based): chr12:132,673,611, C>G on the plus strand (G>C on the coding strand, the complement: POLE is on the minus strand). VCF-style: chr12-132673611-C-G. GRCh37 (hg19) VCF-style: chr12-133250197-C-G.
Identifiers: ClinVar variation 3422117 (VCV003422117.2).
Genomic context (GRCh38, chr12:132,673,611, plus strand): 5'-GCAGCCGGGATGTGGCTTACGTGCCTGGGGCTGCTCCGTGGCCATCCGGCACATGTCCTC[C>G]GGGTCTAGCTCCACGGGATCATAGCCTAGCTTGGCCTTGGCGGCCGCCTTGAGATTATGA-3'
Protein context (NP_006222.2, residues 431-451): KLGYDPVELD[Pro441=]EDMCRMATEQ

ClinVar aggregate classification (germline): Benign/Likely benign. Review status: criteria provided, multiple submitters, no conflicts (2 of 4 stars). 2 submissions from 2 submitters: Benign (1); Likely benign (1). Last evaluated 2025-02-10.

Conditions:
Colorectal cancer, susceptibility to, 12 (CRCS12). Also called: COLORECTAL CANCER, SUSCEPTIBILITY TO, ON CHROMOSOME 12q24. Identifiers: Orphanet 220460, MedGen C3554460, MONDO:0014038, OMIM 615083.
Hereditary cancer-predisposing syndrome. Also called: Neoplastic Syndromes, Hereditary; Tumor predisposition; Hereditary Cancer Syndrome; Hereditary neoplastic syndrome. Identifiers: Orphanet 140162, MedGen C0027672, MeSH D009386, MONDO:0015356.

Submissions (2):

Myriad Genetics, Inc.
Classification: Benign for Colorectal cancer, susceptibility to, 12. Last evaluated: 2025-02-10. Review status: criteria provided, single submitter. Criteria: Myriad Autosomal Dominant, Autosomal Recessive and X-Linked Classification Criteria (2023). Collection method: clinical testing. Allele origin: unknown.
Comment: This variant is considered benign. This variant is a silent/synonymous amino acid change and it is not expected to impact splicing.

Ambry Genetics
Classification: Likely benign for Hereditary cancer-predisposing syndrome. Last evaluated: 2024-07-23. Review status: criteria provided, single submitter. Criteria: Ambry Variant Classification Scheme 2023. Collection method: clinical testing. Allele origin: germline.